The following is an entry in ClinVar:

NM_030665.4(RAI1):c.1984G>A (p.Gly662Arg)

Gene: RAI1 (retinoic acid induced 1; plus strand). Cytogenetic location: 17p11.2.
Variant type: single nucleotide variant.
Coding change: c.1984G>A on transcript NM_030665.4 (MANE Select); coding-DNA position 1984, G replaced by A.
Protein change: p.Gly662Arg; replaces glycine 662 with arginine.
Molecular consequence: missense variant.
Genome position (GRCh38, 1-based): chr17:17,794,932, G>A. VCF-style: chr17-17794932-G-A. GRCh37 (hg19) VCF-style: chr17-17698246-G-A.
Other names: short protein forms G662R.
Identifiers: ClinVar variation 1716918 (VCV001716918.5), dbSNP rs775635205, ClinGen allele CA8418438.
Genomic context (GRCh38, chr17:17,794,932, plus strand): 5'-TCGCTGGAGAACCACAGCGCCTGCCTGGACTCTGTGGCCAAGAGTGCGTGGCCCCGGCCT[G>A]GGGAGCCGGAGGCCCTGCCCGACTCCTTGCAGCTGGACAAGGGCGGCAATGCCAAGGACT-3'
Protein context (NP_109590.3, residues 652-672): SVAKSAWPRP[Gly662Arg]EPEALPDSLQ

ClinVar aggregate classification (germline): Uncertain significance (1 of 4 stars; one submission).

Allele frequency attached by ClinVar (database versions not stated): gnomAD exomes below 0.00001; ExAC 0.00001.
gnomAD v4.1: 3 of 1,613,696 alleles (0.00019%); highest among the groups gnomAD compares: South Asian, 0.0022%; no homozygotes.

Submission:

Labcorp Genetics (formerly Invitae), Labcorp
Classification: Uncertain significance. Last evaluated: 2022-08-19. Review status: criteria provided, single submitter. Criteria: Invitae Variant Classification Sherloc (09022015). Collection method: clinical testing. Allele origin: germline.
Comment: In summary, the available evidence is currently insufficient to determine the role of this variant in disease. Therefore, it has been classified as a Variant of Uncertain Significance. Algorithms developed to predict the effect of missense changes on protein structure and function are either unavailable or do not agree on the potential impact of this missense change (SIFT: "Tolerated"; PolyPhen-2: "Probably Damaging"; Align-GVGD: "Class C0"). This variant has not been reported in the literature in individuals affected with RAI1-related conditions. This variant is present in population databases (rs775635205, gnomAD 0.006%). This sequence change replaces glycine, which is neutral and non-polar, with arginine, which is basic and polar, at codon 662 of the RAI1 protein (p.Gly662Arg).